The following is an entry in ClinVar:

NM_001374385.1(ATP8B1):c.1093C>A (p.Gln365Lys)

Gene: ATP8B1 (ATPase phospholipid transporting 8B1; minus strand). Cytogenetic location: 18q21.31.
Variant type: single nucleotide variant.
Coding change: c.1093C>A on transcript NM_001374385.1 (MANE Select); coding-DNA position 1093, C replaced by A.
Protein change: p.Gln365Lys; replaces glutamine 365 with lysine.
Molecular consequence: missense variant.
Genome position (GRCh38, 1-based): chr18:57,691,934, G>T on the plus strand (C>A on the coding strand, the complement: ATP8B1 is on the minus strand). VCF-style: chr18-57691934-G-T. GRCh37 (hg19) VCF-style: chr18-55359166-G-T.
Other names: c.943C>A, p.Gln315Lys (NM_001374386.1); c.1093C>A, p.Gln365Lys (NM_005603.6); short protein forms Q315K, Q365K.
Identifiers: ClinVar variation 3357461 (VCV003357461.1).

ClinVar aggregate classification (germline): Uncertain significance (0 of 4 stars; one submission).

Conditions:
ATP8B1-related disorder. Also called: ATP8B1-related condition; ATP8B1-related disorders.

gnomAD v4.1: 2 of 1,614,170 alleles (0.00012%); highest among the groups gnomAD compares: Admixed American, 0.0033%; no homozygotes.

Submission:

PreventionGenetics, part of Exact Sciences
Classification: Uncertain significance for ATP8B1-related condition. Last evaluated: 2024-03-20. Review status: no assertion criteria provided. Collection method: clinical testing. Allele origin: germline.
Comment: The ATP8B1 c.1093C>A variant is predicted to result in the amino acid substitution p.Gln365Lys. To our knowledge, this variant has not been reported in the literature. This variant is reported in 0.0058% of alleles in individuals of Latino descent in gnomAD. At this time, the clinical significance of this variant is uncertain due to the absence of conclusive functional and genetic evidence.